The following is an entry in ClinVar:

ClinVar aggregate classification (germline): Uncertain significance. Review status: criteria provided, multiple submitters, no conflicts (2 of 4 stars). 7 submissions from 7 submitters: Uncertain significance (7). Last evaluated 2025-11-08.

Conditions:
Inborn genetic diseases. Identifiers: MedGen C0950123, MeSH D030342.
Eichsfeld type congenital muscular dystrophy (CMYO3). Also called: Rigid spine muscular dystrophy 1; SELENON-related myopathy; Congenital myopathy 3 with rigid spine; MYOPATHY, SEPN1-RELATED. Identifiers: MedGen C0410180, MONDO:0100100, OMIM 602771.

Allele frequency attached by ClinVar (database versions not stated): gnomAD 0.00003; gnomAD exomes 0.00003 and 0.00004; ExAC 0.00004; TOPMed 0.00005.
gnomAD v4.1: 59 of 1,614,106 alleles (0.0037%); highest among the groups gnomAD compares: African/African-American, 0.02%; 1 homozygote.

Submissions (7):

Ambry Genetics
Classification: Uncertain significance for Inborn genetic diseases. Last evaluated: 2025-11-08. Review status: criteria provided, single submitter. Criteria: Ambry Variant Classification Scheme 2023. Collection method: clinical testing. Allele origin: germline.

Blueprint Genetics
Classification: Uncertain significance. Last evaluated: 2024-10-24. Review status: criteria provided, single submitter. Criteria: ACMG Guidelines, 2015. Collection method: clinical testing. Allele origin: germline.

CeGaT Center for Human Genetics Tuebingen
Classification: Uncertain significance. Last evaluated: 2024-09-01. Review status: criteria provided, single submitter. Criteria: CeGaT Center For Human Genetics Tuebingen Variant Classification Criteria Version 2. Collection method: clinical testing. Allele origin: germline. Affected: yes. Observed: 2 variant alleles.

Revvity Omics, Revvity
Classification: Uncertain significance for Eichsfeld type congenital muscular dystrophy. Last evaluated: 2024-06-12. Review status: criteria provided, single submitter. Criteria: ACMG Guidelines, 2015. Collection method: clinical testing. Allele origin: germline.

Department of Pathology and Laboratory Medicine, Sinai Health System
Classification: Uncertain significance for Eichsfeld type congenital muscular dystrophy. Last evaluated: 2023-02-28. Review status: criteria provided, single submitter. Criteria: ACMG Guidelines, 2015. Collection method: research. Allele origin: germline.

Labcorp Genetics (formerly Invitae), Labcorp
Classification: Uncertain significance for Eichsfeld type congenital muscular dystrophy. Last evaluated: 2022-07-24. Review status: criteria provided, single submitter. Criteria: Invitae Variant Classification Sherloc (09022015). Collection method: clinical testing. Allele origin: germline.
Comment: This sequence change replaces alanine, which is neutral and non-polar, with valine, which is neutral and non-polar, at codon 512 of the SELENON protein (p.Ala512Val). This variant is present in population databases (rs202167521, gnomAD 0.06%). This variant has not been reported in the literature in individuals affected with SELENON-related conditions. ClinVar contains an entry for this variant (Variation ID: 286099). Algorithms developed to predict the effect of missense changes on protein structure and function are either unavailable or do not agree on the potential impact of this missense change (SIFT: "Deleterious"; PolyPhen-2: "Probably Damaging"; Align-GVGD: "Class C0"). Algorithms developed to predict the effect of sequence changes on RNA splicing suggest that this variant may create or strengthen a splice site. In summary, the available evidence is currently insufficient to determine the role of this variant in disease. Therefore, it has been classified as a Variant of Uncertain Significance.

Eurofins Ntd Llc (ga)
Classification: Uncertain significance. Last evaluated: 2016-02-18. Review status: criteria provided, single submitter. Criteria: EGL Classification Definitions 2015. Collection method: clinical testing. Allele origin: germline. Observed: 1 variant allele, 1 heterozygote.

NM_206926.2(SELENON):c.1433C>T (p.Ala478Val)

Gene: SELENON (selenoprotein N; plus strand). Cytogenetic location: 1p36.11.
Variant type: single nucleotide variant.
Coding change: c.1433C>T on transcript NM_206926.2 (MANE Select); coding-DNA position 1433, C replaced by T.
Protein change: p.Ala478Val; replaces alanine 478 with valine.
Molecular consequence: missense variant.
Genome position (GRCh38, 1-based): chr1:25,814,111, C>T. VCF-style: chr1-25814111-C-T. GRCh37 (hg19) VCF-style: chr1-26140602-C-T.
Other names: c.1535C>T, p.Ala512Val (NM_020451.3); short protein forms A512V, A478V.
Identifiers: ClinVar variation 286099 (VCV000286099.55), dbSNP rs202167521, ClinGen allele CA696915.
Genomic context (GRCh38, chr1:25,814,111, plus strand): 5'-TCAGGAGTGTGCAACTGTCCCCACAGAACAACCAGGAGAACTCGTCCCACCAGAAGCTGG[C>T]TGGCCTGCACCTGGAGAAGTACAGCTTCCCCGTGGAGATGATGATCTGCCTGCCCAATGG-3'
Protein context (NP_996809.1, residues 468-488): NQENSSHQKL[Ala478Val]GLHLEKYSFP